The following is an entry in ClinVar:

ClinVar aggregate classification (germline): Uncertain significance (1 of 4 stars; one submission).

Conditions:
Hypertrophic cardiomyopathy. Also called: HYPERTROPHIC MYOCARDIOPATHY. Identifiers: Orphanet 217569, MedGen C0007194, MeSH D002312, MONDO:0005045, HP:0001639.

Allele frequency attached by ClinVar (database versions not stated): TOPMed below 0.00001; gnomAD 0.00001.

Submission:

Labcorp Genetics (formerly Invitae), Labcorp
Classification: Uncertain significance for Hypertrophic cardiomyopathy. Last evaluated: 2023-04-14. Review status: criteria provided, single submitter. Criteria: Invitae Variant Classification Sherloc (09022015). Collection method: clinical testing. Allele origin: germline.
Comment: ClinVar contains an entry for this variant (Variation ID: 640102). This variant has not been reported in the literature in individuals affected with MYH7-related conditions. This variant is not present in population databases (gnomAD no frequency). This sequence change replaces threonine, which is neutral and polar, with isoleucine, which is neutral and non-polar, at codon 446 of the MYH7 protein (p.Thr446Ile). Advanced modeling of protein sequence and biophysical properties (such as structural, functional, and spatial information, amino acid conservation, physicochemical variation, residue mobility, and thermodynamic stability) performed at Invitae indicates that this missense variant is expected to disrupt MYH7 protein function. In summary, the available evidence is currently insufficient to determine the role of this variant in disease. Therefore, it has been classified as a Variant of Uncertain Significance.

NM_000257.4(MYH7):c.1337C>T (p.Thr446Ile)

Gene: MYH7 (myosin heavy chain 7; minus strand). Cytogenetic location: 14q11.2.
Variant type: single nucleotide variant.
Coding change: c.1337C>T on transcript NM_000257.4 (MANE Select); coding-DNA position 1337, C replaced by T.
Protein change: p.Thr446Ile; replaces threonine 446 with isoleucine.
Molecular consequence: missense variant.
Genome position (GRCh38, 1-based): chr14:23,429,025, G>A on the plus strand (C>T on the coding strand, the complement: MYH7 is on the minus strand). VCF-style: chr14-23429025-G-A. GRCh37 (hg19) VCF-style: chr14-23898234-G-A.
Other names: short protein forms T446I.
Identifiers: ClinVar variation 640102 (VCV000640102.8), dbSNP rs1595086797, ClinGen allele CA389050836.
Genomic context (GRCh38, chr14:23,429,025, plus strand): 5'-TCGAAGCCAGCGATGTCCAGGACTCCTATGAAGTACTGGCGTGGCTGCTTGGTCTCCAGG[G>A]TGGCATTGATGCGCGTCACCATCCAGTTGAACATCCTCTCATACACTGCCTTGGCCAGTG-3'
Protein context (NP_000248.2, residues 436-456): FNWMVTRINA[Thr446Ile]LETKQPRQYF